The following is an entry in ClinVar:

ClinVar aggregate classification (germline): Pathogenic (1 of 4 stars; one submission).

Conditions:
Fanconi anemia (FA). Also called: Fanconi's anemia. Identifiers: Orphanet 84, MedGen C0015625, MeSH D005199, MONDO:0019391.

Submission:

Labcorp Genetics (formerly Invitae), Labcorp
Classification: Pathogenic for Fanconi anemia. Last evaluated: 2023-10-09. Review status: criteria provided, single submitter. Criteria: Invitae Variant Classification Sherloc (09022015). Collection method: clinical testing. Allele origin: germline.
Comment: This sequence change creates a premature translational stop signal (p.Leu14Profs*13) in the FANCL gene. It is expected to result in an absent or disrupted protein product. Loss-of-function variants in FANCL are known to be pathogenic (PMID: 19405097, 23613520). This variant is not present in population databases (gnomAD no frequency). This variant has not been reported in the literature in individuals affected with FANCL-related conditions. ClinVar contains an entry for this variant (Variation ID: 575609). For these reasons, this variant has been classified as Pathogenic.

Literature cited by the submitters: PubMed 19405097; PubMed 23613520.

NM_018062.4(FANCL):c.40dup (p.Leu14fs)

Gene: FANCL (FA complementation group L; minus strand). Cytogenetic location: 2p16.1.
Variant type: Duplication.
Coding change: c.40dup on transcript NM_018062.4 (MANE Select); coding-DNA position 40, one base duplicated (C; older notation c.40dupC).
Protein change: p.Leu14fs; shifts the reading frame from leucine 14.
Molecular consequence: frameshift variant.
Genome position (GRCh38, 1-based): chr2:58,241,274, G duplicated on the plus strand (C on the coding strand, the reverse complement: FANCL is on the minus strand); the first of 5 consecutive G bases (chr2:58,241,274-58,241,278); duplicating any one gives the same sequence. VCF-style (leftmost placement, unchanged base first): chr2-58241273-A-AG. GRCh37 (hg19) VCF-style: chr2-58468408-A-AG.
Other names: c.40dupC (NM_018062.3); c.36dup, p.Leu14Profs (NM_001114636.2); c.40dup, p.Leu14fs (NM_001374615.1, NM_001410792.1); short protein forms L14fs.
Identifiers: ClinVar variation 575609 (VCV000575609.7), dbSNP rs761039364, ClinGen allele CA533182235.
Genomic context (GRCh38, chr2:58,241,273, plus strand): 5'-GGTACCTGAGCCGAGATGAATCCCTCATACACGGTTTTCGACCGGTTCTGGGGCAGAAGC[A>AG]GGGGGCACTGGCGCAACAGGCTCGCTTCCGTCACCGCCATGGCTCGAAGTCCGGAGAAAC-3'